The following is an entry in ClinVar:

NM_006949.4(STXBP2):c.167C>T (p.Thr56Ile)

Gene: STXBP2 (syntaxin binding protein 2; plus strand). Cytogenetic location: 19p13.2.
Variant type: single nucleotide variant.
Coding change: c.167C>T on transcript NM_006949.4 (MANE Select); coding-DNA position 167, C replaced by T.
Protein change: p.Thr56Ile; replaces threonine 56 with isoleucine.
Molecular consequence: missense variant. On other transcripts: non-coding transcript variant (1).
Genome position (GRCh38, 1-based): chr19:7,639,098, C>T. VCF-style: chr19-7639098-C-T. GRCh37 (hg19) VCF-style: chr19-7703984-C-T.
Other names: c.167C>T, p.Thr56Ile (NM_001127396.3, NM_001272034.2); c.167C>T (NM_006949.2); short protein forms T56I.
Identifiers: ClinVar variation 538147 (VCV000538147.9), dbSNP rs138007892, ClinGen allele CA9143142.

ClinVar aggregate classification (germline): Uncertain significance. Review status: criteria provided, multiple submitters, no conflicts (2 of 4 stars). 2 submissions from 2 submitters: Uncertain significance (2). Last evaluated 2023-10-05.

Conditions:
Inborn genetic diseases. Identifiers: MedGen C0950123, MeSH D030342.
Familial hemophagocytic lymphohistiocytosis 5. Also called: STXBP2-Related Familial Hemophagocytic Lymphohistiocytosis (STXBP2-fHLH). Identifiers: Orphanet 540, MedGen C2751293, MONDO:0013135, OMIM 613101.

Allele frequency attached by ClinVar (database versions not stated): gnomAD exomes 0.00002 and 0.00006; ESP Exome Variant Server 0.00062; ExAC 0.00009; gnomAD 0.00022 and 0.00024; TOPMed 0.00031.
gnomAD v4.1: 59 of 1,614,082 alleles (0.0037%); highest among the groups gnomAD compares: African/African-American, 0.075%; no homozygotes.

Submissions (5):

Ambry Genetics
Classification: Uncertain significance for Inborn genetic diseases. Last evaluated: 2023-10-05. Review status: criteria provided, single submitter. Criteria: Ambry Variant Classification Scheme 2023. Collection method: clinical testing. Allele origin: germline.

Labcorp Genetics (formerly Invitae), Labcorp
Classification: Uncertain significance for Familial hemophagocytic lymphohistiocytosis 5. Last evaluated: 2022-09-06. Review status: criteria provided, single submitter. Criteria: Invitae Variant Classification Sherloc (09022015). Collection method: clinical testing. Allele origin: germline.
Comment: This sequence change replaces threonine, which is neutral and polar, with isoleucine, which is neutral and non-polar, at codon 56 of the STXBP2 protein (p.Thr56Ile). This variant is present in population databases (rs138007892, gnomAD 0.08%). This variant has not been reported in the literature in individuals affected with STXBP2-related conditions. ClinVar contains an entry for this variant (Variation ID: 538147). Algorithms developed to predict the effect of missense changes on protein structure and function are either unavailable or do not agree on the potential impact of this missense change (SIFT: "Deleterious"; PolyPhen-2: "Probably Damaging"; Align-GVGD: "Class C0"). In summary, the available evidence is currently insufficient to determine the role of this variant in disease. Therefore, it has been classified as a Variant of Uncertain Significance.

Dr. Peter K. Rogan Lab, Western University
No classification provided (evidence only). Condition: Clear cell carcinoma of kidney. Review status: no classification provided. Collection method: in vitro. Allele origin: not applicable. Functional consequence: retained intron. Not counted in ClinVar's aggregate classification.

Dr. Peter K. Rogan Lab, Western University
No classification provided (evidence only). Condition: Uterine corpus endometrial carcinoma. Review status: no classification provided. Collection method: in vitro. Allele origin: not applicable. Functional consequence: retained intron. Not counted in ClinVar's aggregate classification.

Dr. Peter K. Rogan Lab, Western University
No classification provided (evidence only). Condition: Cervical cancer. Review status: no classification provided. Collection method: in vitro. Allele origin: not applicable. Functional consequence: retained intron. Not counted in ClinVar's aggregate classification.